The following is an entry in ClinVar:

NM_014874.4(MFN2):c.825GCA[3] (p.Gln276dup)

Gene: MFN2 (mitofusin 2; plus strand). Cytogenetic location: 1p36.22.
Variant type: Microsatellite.
Coding change: c.825GCA[3] on transcript NM_014874.4 (MANE Select); three copies in a row of the 3-base unit GCA starting at c.825; the reference has two copies in a row; one copy, 3 bases duplicated.
Protein change: p.Gln276dup; duplicates glutamine 276.
Molecular consequence: inframe insertion.
Genome position (GRCh38, 1-based): chr1:12,001,412-12,001,414, GCA duplicated; duplicating any 3 consecutive bases within chr1:12,001,409-12,001,414 gives the same sequence; the position shown is the placement nearest the transcript's 3' end. VCF-style (leftmost placement, unchanged base first): chr1-12001408-G-GGCA. GRCh37 (hg19) VCF-style: chr1-12061465-G-GGCA.
Other names: c.828_830dupGCA (NM_014874.3); c.825GCA[3], p.Gln276dup (NM_001127660.2).
Identifiers: ClinVar variation 408328 (VCV000408328.13), dbSNP rs1553143791, ClinGen allele CA16609869.

ClinVar aggregate classification (germline): Likely pathogenic. Review status: criteria provided, multiple submitters, no conflicts (2 of 4 stars). 2 submissions from 2 submitters: Likely pathogenic (2). Last evaluated 2025-03-31.

Conditions:
Charcot-Marie-Tooth disease type 2. Also called: Charcot-Marie-Tooth type 2. Identifiers: Orphanet 64746, MedGen C0270914, MONDO:0018993.

Submissions (2):

Labcorp Genetics (formerly Invitae), Labcorp
Classification: Likely pathogenic for Charcot-Marie-Tooth disease type 2. Last evaluated: 2025-03-31. Review status: criteria provided, single submitter. Criteria: Invitae Variant Classification Sherloc (09022015). Collection method: clinical testing. Allele origin: germline.
Comment: This variant, c.828_830dup, results in the insertion of 1 amino acid(s) of the MFN2 protein (p.Gln276dup), but otherwise preserves the integrity of the reading frame. This variant is not present in population databases (gnomAD no frequency). This variant has been observed in individuals with clinical features of Charcot-Marie-Tooth disease (PMID: 28708278, 33415332; internal data). ClinVar contains an entry for this variant (Variation ID: 408328). In summary, the currently available evidence indicates that the variant is pathogenic, but additional data are needed to prove that conclusively. Therefore, this variant has been classified as Likely Pathogenic.

GeneDx
Classification: Likely pathogenic. Last evaluated: 2023-02-22. Review status: criteria provided, single submitter. Criteria: GeneDx Variant Classification Process June 2021. Collection method: clinical testing. Allele origin: germline. Affected: yes.
Comment: Not observed at significant frequency in large population cohorts (gnomAD); In-frame duplication of 1 amino acid in a non-repeat region; This variant is associated with the following publications: (PMID: 24863639, 33415332, 28708278)

Literature cited by the submitters: PubMed 28708278 (cited by Labcorp Genetics (formerly Invitae), Labcorp); PubMed 33415332 (cited by Labcorp Genetics (formerly Invitae), Labcorp).